The following is an entry in ClinVar:

NM_000064.4(C3):c.2373G>A (p.Met791Ile)

Gene: C3 (complement C3; minus strand). Cytogenetic location: 19p13.3.
Variant type: single nucleotide variant.
Coding change: c.2373G>A on transcript NM_000064.4 (MANE Select); coding-DNA position 2373, G replaced by A.
Protein change: p.Met791Ile; replaces methionine 791 with isoleucine.
Molecular consequence: missense variant.
Genome position (GRCh38, 1-based): chr19:6,702,194, C>T on the plus strand (G>A on the coding strand, the complement: C3 is on the minus strand). VCF-style: chr19-6702194-C-T. GRCh37 (hg19) VCF-style: chr19-6702205-C-T.
Other names: short protein forms M791I.
Identifiers: ClinVar variation 2182403 (VCV002182403.6), dbSNP rs771980153, ClinGen allele CA9129093.

ClinVar aggregate classification (germline): Uncertain significance. Review status: criteria provided, multiple submitters, no conflicts (2 of 4 stars). 3 submissions from 3 submitters: Uncertain significance (3). Last evaluated 2025-11-17.

Conditions:
Inborn genetic diseases. Identifiers: MedGen C0950123, MeSH D030342.
Age related macular degeneration 9. Identifiers: MedGen C1969651, MONDO:0012659, OMIM 611378.
Atypical hemolytic-uremic syndrome with C3 anomaly. Also called: AHUS, SUSCEPTIBILITY TO, 5. Identifiers: Orphanet 2134, MedGen C2752037, MONDO:0013043, OMIM 612925.
Complement component 3 deficiency. Identifiers: Orphanet 280133, MedGen C3151071, MONDO:0013417, OMIM 613779.

Allele frequency attached by ClinVar (database versions not stated): gnomAD exomes 0.00001; TOPMed 0.00001; ExAC 0.00004.
gnomAD v4.1: 9 of 1,600,924 alleles (0.00056%); highest among the groups gnomAD compares: Admixed American, 0.013%; no homozygotes.

Submissions (3):

Labcorp Genetics (formerly Invitae), Labcorp
Classification: Uncertain significance. Last evaluated: 2025-11-17. Review status: criteria provided, single submitter. Criteria: Invitae Variant Classification Sherloc (09022015). Collection method: clinical testing. Allele origin: germline.
Comment: This sequence change replaces methionine, which is neutral and non-polar, with isoleucine, which is neutral and non-polar, at codon 791 of the C3 protein (p.Met791Ile). This variant is present in population databases (rs771980153, gnomAD 0.03%). This variant has not been reported in the literature in individuals affected with C3-related conditions. ClinVar contains an entry for this variant (Variation ID: 2182403). Invitae Evidence Modeling of protein sequence and biophysical properties (such as structural, functional, and spatial information, amino acid conservation, physicochemical variation, residue mobility, and thermodynamic stability) indicates that this missense variant is not expected to disrupt C3 protein function with a negative predictive value of 80%. In summary, the available evidence is currently insufficient to determine the role of this variant in disease. Therefore, it has been classified as a Variant of Uncertain Significance.

Ambry Genetics
Classification: Uncertain significance for Inborn genetic diseases. Last evaluated: 2025-10-15. Review status: criteria provided, single submitter. Criteria: Ambry Variant Classification Scheme 2023. Collection method: clinical testing. Allele origin: germline.

Fulgent Genetics
Classification: Uncertain significance for Age related macular degeneration 9; Atypical hemolytic-uremic syndrome with C3 anomaly; Complement component 3 deficiency. Last evaluated: 2024-05-14. Review status: criteria provided, single submitter. Criteria: ACMG Guidelines, 2015. Collection method: clinical testing. Allele origin: germline.